The following is an entry in ClinVar:

NM_001177316.2(SLC34A3):c.755_756+23del

Gene: SLC34A3 (solute carrier family 34 member 3; plus strand). Cytogenetic location: 9q34.3.
Variant type: Deletion.
Coding change: c.755_756+23del on transcript NM_001177316.2 (MANE Select); coding-DNA position 755 through 23 bases into the intron after coding-DNA position 756, 25 bases deleted (AGGTGAGGACGGCCACCGCCCCCGC).
Molecular consequence: splice donor variant.
Genome position (GRCh38, 1-based): chr9:137,233,403-137,233,427, AGGTGAGGACGGCCACCGCCCCCGC deleted; deleting any 25 consecutive bases within chr9:137,233,401-137,233,427 gives the same sequence; the c. name uses the placement nearest the transcript's 3' end. VCF-style (leftmost placement, unchanged base first): chr9-137233400-TGCAGGTGAGGACGGCCACCGCCCCC-T. GRCh37 (hg19) VCF-style: chr9-140127852-TGCAGGTGAGGACGGCCACCGCCCCC-T.
Other names: p.Gln252Leufs*16; c.755_756+23del (NM_001177317.2, NM_080877.3).
Identifiers: ClinVar variation 3379941 (VCV003379941.1).

ClinVar aggregate classification (germline): Uncertain significance (1 of 4 stars; one submission).

Submission:

Mayo Clinic Laboratories, Mayo Clinic
Classification: Uncertain significance. Last evaluated: 2023-11-27. Review status: criteria provided, single submitter. Criteria: ACMG Guidelines, 2015. Collection method: clinical testing. Allele origin: germline. Observed: 1 variant allele.
Comment: PM2, PVS1_strong